The following is an entry in ClinVar:

NM_133433.4(NIPBL):c.6218T>A (p.Leu2073Gln)

Gene: NIPBL (NIPBL cohesin loading factor; plus strand). Cytogenetic location: 5p13.2.
Variant type: single nucleotide variant.
Coding change: c.6218T>A on transcript NM_133433.4 (MANE Select); coding-DNA position 6218, T replaced by A.
Protein change: p.Leu2073Gln; replaces leucine 2073 with glutamine.
Molecular consequence: missense variant.
Genome position (GRCh38, 1-based): chr5:37,044,456, T>A. VCF-style: chr5-37044456-T-A. GRCh37 (hg19) VCF-style: chr5-37044558-T-A.
Other names: c.6218T>A, p.Leu2073Gln (NM_015384.5); short protein forms L2073Q.
Identifiers: ClinVar variation 2040988 (VCV002040988.4), dbSNP rs2478576911, ClinGen allele CA359502448.
Genomic context (GRCh38, chr5:37,044,456, plus strand): 5'-TAGTTGTACCACTGATGGAGCATCCAAGTGAAACTTTTCTTGCCACTATTGAGGAAGATC[T>A]AATGAAGCTCATCATCAAATATGGCATGACTGTAAGCACTCAGTTTACCATTTCTTTATT-3'
Protein context (NP_597677.2, residues 2063-2083): ETFLATIEED[Leu2073Gln]MKLIIKYGMT

ClinVar aggregate classification (germline): Pathogenic (1 of 4 stars; one submission).

Conditions:
Cornelia de Lange syndrome 1 (CDLS1). Also called: NIPBL-Related Cornelia de Lange Syndrome; Brachmann de Lange syndrome; TYPUS DEGENERATIVUS AMSTELODAMENSIS. Identifiers: Orphanet 199, MedGen C4551851, MONDO:0007387, OMIM 122470.

Submission:

Labcorp Genetics (formerly Invitae), Labcorp
Classification: Pathogenic for Cornelia de Lange syndrome 1. Last evaluated: 2021-12-12. Review status: criteria provided, single submitter. Criteria: Invitae Variant Classification Sherloc (09022015). Collection method: clinical testing. Allele origin: germline.
Comment: Advanced modeling of protein sequence and biophysical properties (such as structural, functional, and spatial information, amino acid conservation, physicochemical variation, residue mobility, and thermodynamic stability) performed at Invitae indicates that this missense variant is expected to disrupt NIPBL protein function. For these reasons, this variant has been classified as Pathogenic. This variant is not present in population databases (gnomAD no frequency). This missense change has been observed in individual(s) with clinical features of Cornelia de Lange syndrome (Invitae). In at least one individual the variant was observed to be de novo. This sequence change replaces leucine, which is neutral and non-polar, with glutamine, which is neutral and polar, at codon 2073 of the NIPBL protein (p.Leu2073Gln).